The following is an entry in ClinVar:

ClinVar aggregate classification (germline): Uncertain significance (1 of 4 stars; one submission).

Conditions:
Long QT syndrome (LQTS). Identifiers: MedGen C0023976, MeSH D008133, MONDO:0002442. Disease mechanism: loss of function. Inheritance: Various modes of inheritance.

Submission:

Labcorp Genetics (formerly Invitae), Labcorp
Classification: Uncertain significance for Long QT syndrome. Last evaluated: 2023-08-11. Review status: criteria provided, single submitter. Criteria: Invitae Variant Classification Sherloc (09022015). Collection method: clinical testing. Allele origin: germline.
Comment: Experimental studies have shown that this missense change affects KCNH2 function (PMID: 15371638, 20876384). In summary, the available evidence is currently insufficient to determine the role of this variant in disease. Therefore, it has been classified as a Variant of Uncertain Significance. This variant disrupts the p.Ser641 amino acid residue in KCNH2. Other variant(s) that disrupt this residue have been determined to be pathogenic (PMID: 18441445, 22949429, 25417810; Invitae). This suggests that this residue is clinically significant, and that variants that disrupt this residue are likely to be disease-causing. An algorithm developed to predict the effect of missense changes on protein structure and function (PolyPhen-2) suggests that this variant is likely to be disruptive. This variant has not been reported in the literature in individuals affected with KCNH2-related conditions. This variant is not present in population databases (gnomAD no frequency). This sequence change replaces serine, which is neutral and polar, with cysteine, which is neutral and slightly polar, at codon 641 of the KCNH2 protein (p.Ser641Cys).

Literature cited by the submitters: PubMed 15371638; PubMed 20876384; PubMed 18441445; PubMed 22949429; PubMed 25417810.

NM_000238.4(KCNH2):c.1922C>G (p.Ser641Cys)

Gene: KCNH2 (potassium voltage-gated channel subfamily H member 2; minus strand). Cytogenetic location: 7q36.1.
Variant type: single nucleotide variant.
Coding change: c.1922C>G on transcript NM_000238.4 (MANE Select); coding-DNA position 1922, C replaced by G.
Protein change: p.Ser641Cys; replaces serine 641 with cysteine.
Molecular consequence: missense variant. On other transcripts: non-coding transcript variant (2).
Genome position (GRCh38, 1-based): chr7:150,951,471, G>C on the plus strand (C>G on the coding strand, the complement: KCNH2 is on the minus strand). VCF-style: chr7-150951471-G-C. GRCh37 (hg19) VCF-style: chr7-150648559-G-C.
Other names: c.902C>G, p.Ser301Cys (NM_001204798.2, NM_172057.3); c.1634C>G, p.Ser545Cys (NM_001406753.1, NM_001406756.1); c.1745C>G, p.Ser582Cys (NM_001406755.1); c.1622C>G, p.Ser541Cys (NM_001406757.1); c.1922C>G, p.Ser641Cys (NM_172056.3); short protein forms S301C, S541C, S582C, S545C, S641C.
Identifiers: ClinVar variation 2743152 (VCV002743152.3), dbSNP rs199472971, ClinGen allele CA369857840.